The following is an entry in ClinVar:

ClinVar aggregate classification (germline): Uncertain significance (1 of 4 stars; one submission).

gnomAD v4.1: 11 of 1,614,088 alleles (0.00068%); highest among the groups gnomAD compares: Middle Eastern, 0.016%; no homozygotes.

Submission:

Labcorp Genetics (formerly Invitae), Labcorp
Classification: Uncertain significance. Last evaluated: 2025-01-20. Review status: criteria provided, single submitter. Criteria: Invitae Variant Classification Sherloc (09022015). Collection method: clinical testing. Allele origin: germline.
Comment: This sequence change replaces histidine, which is basic and polar, with arginine, which is basic and polar, at codon 245 of the ABCC2 protein (p.His245Arg). This variant is present in population databases (rs755278187, gnomAD 0.01%). This variant has not been reported in the literature in individuals affected with ABCC2-related conditions. Invitae Evidence Modeling of protein sequence and biophysical properties (such as structural, functional, and spatial information, amino acid conservation, physicochemical variation, residue mobility, and thermodynamic stability) indicates that this missense variant is not expected to disrupt ABCC2 protein function with a negative predictive value of 80%. In summary, the available evidence is currently insufficient to determine the role of this variant in disease. Therefore, it has been classified as a Variant of Uncertain Significance.

NM_000392.5(ABCC2):c.734A>G (p.His245Arg)

Gene: ABCC2 (ATP binding cassette subfamily C member 2; plus strand). Cytogenetic location: 10q24.2.
Variant type: single nucleotide variant.
Coding change: c.734A>G on transcript NM_000392.5 (MANE Select); coding-DNA position 734, A replaced by G.
Protein change: p.His245Arg; replaces histidine 245 with arginine.
Molecular consequence: missense variant.
Genome position (GRCh38, 1-based): chr10:99,797,198, A>G. VCF-style: chr10-99797198-A-G. GRCh37 (hg19) VCF-style: chr10-101556955-A-G.
Other names: short protein forms H245R.
Identifiers: ClinVar variation 3611926 (VCV003611926.2).
Genomic context (GRCh38, chr10:99,797,198, plus strand): 5'-ATGTCTGGGAAGTTGATGAAGAGATGAAAACCAAGACATTAGTGAGCAAGTTTGAAACGC[A>G]CATGAAGAGAGAGCTGCAGAAAGCCAGGCGGGCACTCCAGAGACGGCAGGAGAAGAGCTC-3'
Protein context (NP_000383.2, residues 235-255): TKTLVSKFET[His245Arg]MKRELQKARR